The following is an entry in ClinVar:

NM_001743.6(CALM2):c.422-15CTT[2]

Gene: CALM2 (calmodulin 2; minus strand). Cytogenetic location: 2p21.
Variant type: Microsatellite.
Coding change: c.422-15CTT[2] on transcript NM_001743.6 (MANE Select); two copies in a row of the 3-base unit CTT starting at c.422-15; the reference has three copies in a row; one copy, 3 bases deleted.
Molecular consequence: intron variant.
Genome position (GRCh38, 1-based): chr2:47,160,811-47,160,813, AAG deleted on the plus strand (CTT on the coding strand, the reverse complement: CALM2 is on the minus strand); deleting any 3 consecutive bases within chr2:47,160,811-47,160,819 gives the same sequence; the position shown is the placement nearest the transcript's 3' end. VCF-style (leftmost placement, unchanged base first): chr2-47160810-AAAG-A. GRCh37 (hg19) VCF-style: chr2-47387949-AAAG-A.
Other names: c.566-15CTT[2] (NM_001305624.1); c.314-15CTT[2] (NM_001305626.1, NM_001305625.2); c.422-9_422-7delCTT (NM_001743.4).
Identifiers: ClinVar variation 415527 (VCV000415527.29), dbSNP rs775247848, ClinGen allele CA1648517.
Genomic context (GRCh38, chr2:47,160,810, plus strand): 5'-AATTTAACACATTCTGTACAAGGTCTTCACTTTGCTGTCATCATTTGTACAAACTCTGAA[AAAG>A]AAGAAGTACACAAAAAATGAGTCAATAGCAAAAGACCAAAAAAAAAAAAAAAAAAAAAAA-3'

ClinVar aggregate classification (germline): Likely benign. Review status: criteria provided, multiple submitters, no conflicts (2 of 4 stars). 3 submissions from 3 submitters: Likely benign (3). Last evaluated 2025-12-31.

Conditions:
Long QT syndrome 1 (LQT1). Identifiers: Orphanet 101016, Orphanet 768, MedGen C4551647, MONDO:0100316, OMIM 192500, MONDO:0008646.

Submissions (3):

Labcorp Genetics (formerly Invitae), Labcorp
Classification: Likely benign for Long QT syndrome 1. Last evaluated: 2025-12-31. Review status: criteria provided, single submitter. Criteria: Invitae Variant Classification Sherloc (09022015). Collection method: clinical testing. Allele origin: germline.

Blueprint Genetics
Classification: Likely benign. Last evaluated: 2024-06-19. Review status: criteria provided, single submitter. Criteria: ACMG Guidelines, 2015. Collection method: clinical testing. Allele origin: germline.

GeneDx
Classification: Likely benign. Last evaluated: 2022-05-19. Review status: criteria provided, single submitter. Criteria: GeneDx Variant Classification Process June 2021. Collection method: clinical testing. Allele origin: germline. Affected: yes.
Comment: See Variant Classification Assertion Criteria.